The following is an entry in ClinVar:

ClinVar aggregate classification (germline): Benign/Likely benign. Review status: criteria provided, multiple submitters, no conflicts (2 of 4 stars). 3 submissions from 3 submitters: Benign (1); Likely benign (2). Last evaluated 2026-01-28.

Conditions:
Inborn genetic diseases. Identifiers: MedGen C0950123, MeSH D030342.
Autosomal recessive axonal neuropathy with neuromyotonia (NMAN). Also called: Neuromyotonia and axonal neuropathy, autosomal recessive; MYOKYMIA, MYOTONIA, AND MUSCLE WASTING; Gamstorp-Wohlfart syndrome. Identifiers: Orphanet 324442, MedGen C5700127, MONDO:0007646, OMIM 137200.

Allele frequency attached by ClinVar (database versions not stated): gnomAD exomes 0.00006 and 0.00014; ESP Exome Variant Server 0.00008; ExAC 0.00009; gnomAD 0.00009 and 0.00010; TOPMed 0.00009.
gnomAD v4.1: 100 of 1,613,326 alleles (0.0062%); highest among the groups gnomAD compares: Middle Eastern, 0.033%; no homozygotes.

Submissions (3):

Labcorp Genetics (formerly Invitae), Labcorp
Classification: Benign for Autosomal recessive axonal neuropathy with neuromyotonia. Last evaluated: 2026-01-28. Review status: criteria provided, single submitter. Criteria: Invitae Variant Classification Sherloc (09022015). Collection method: clinical testing. Allele origin: germline.

Ambry Genetics
Classification: Likely benign for Inborn genetic diseases. Last evaluated: 2019-07-11. Review status: criteria provided, single submitter. Criteria: Ambry Variant Classification Scheme 2023. Collection method: clinical testing. Allele origin: germline.

GeneDx
Classification: Likely benign. Last evaluated: 2017-06-22. Review status: criteria provided, single submitter. Criteria: GeneDx Variant Classification (06012015). Collection method: clinical testing. Allele origin: germline. Affected: yes.
Comment: This variant is considered likely benign or benign based on one or more of the following criteria: it is a conservative change, it occurs at a poorly conserved position in the protein, it is predicted to be benign by multiple in silico algorithms, and/or has population frequency not consistent with disease.

NM_005340.7(HINT1):c.159G>A (p.Leu53=)

Gene: HINT1 (histidine triad nucleotide binding protein 1; minus strand). Cytogenetic location: 5q23.3.
Variant type: single nucleotide variant.
Coding change: c.159G>A on transcript NM_005340.7 (MANE Select); coding-DNA position 159, G replaced by A.
Protein change: p.Leu53=; no amino-acid change (leucine 53 retained).
Molecular consequence: synonymous variant. On other transcripts: non-coding transcript variant (5).
Genome position (GRCh38, 1-based): chr5:131,162,629, C>T on the plus strand (G>A on the coding strand, the complement: HINT1 is on the minus strand). VCF-style: chr5-131162629-C-T. GRCh37 (hg19) VCF-style: chr5-130498322-C-T.
Identifiers: ClinVar variation 518173 (VCV000518173.11), dbSNP rs199716973, ClinGen allele CA3398615.
Genomic context (GRCh38, chr5:131,162,629, plus strand): 5'-TACACTTTCATCATCATCTTCTGCCACAGAAATCTGGGATATATGTTTCTTGGGTATCAC[C>T]AGAAAATGTGTTGGTGCTTGAGGGGAAATGTCATGGAAAGCAAGGCACTAGGGAAAAGAG-3'
Protein context (NP_005331.1, residues 43-63): DISPQAPTHF[Leu53=]VIPKKHISQI